The following is an entry in ClinVar:

ClinVar aggregate classification (germline): Likely pathogenic (1 of 4 stars; one submission).

Conditions:
Rubinstein-Taybi syndrome due to EP300 haploinsufficiency. Also called: EP300-Related Rubinstein-Taybi Syndrome; RUBINSTEIN-TAYBI SYNDROME 2. Identifiers: Orphanet 353284, Orphanet 783, MedGen C3150941, MONDO:0013364, OMIM 613684.
Menke-Hennekam syndrome 2 (MKHK2). Identifiers: MedGen C5193035, MONDO:0020769, OMIM 618333.

Submission:

Institute of Immunology and Genetics Kaiserslautern
Classification: Likely pathogenic for Menke-Hennekam syndrome 2; Rubinstein-Taybi syndrome due to EP300 haploinsufficiency. Last evaluated: 2022-11-09. Review status: criteria provided, single submitter. Criteria: ACMG Guidelines, 2015. Collection method: clinical testing. Allele origin: de novo. Affected: yes.
Comment: ACMG Criteria: PS2, PM2, PM4; Variant was found in heterozygous state. De novo-status was confirmed via in-house segregation analysis.

NM_001429.4(EP300):c.5366GCT[1] (p.Cys1790del)

Gene: EP300 (EP300 lysine acetyltransferase; plus strand). Cytogenetic location: 22q13.2.
Variant type: Microsatellite.
Coding change: c.5366GCT[1] on transcript NM_001429.4 (MANE Select); one copy of the 3-base unit GCT starting at c.5366; the reference has two copies in a row; one copy, 3 bases deleted; also written c.5369_5371del.
Protein change: p.Cys1790del; deletes cysteine 1790.
Molecular consequence: inframe deletion.
Genome position (GRCh38, 1-based): chr22:41,177,080-41,177,082, GCT deleted; deleting any 3 consecutive bases within chr22:41,177,075-41,177,082 gives the same sequence; the position shown is the placement nearest the transcript's 3' end. VCF-style (leftmost placement, unchanged base first): chr22-41177074-TCTG-T. GRCh37 (hg19) VCF-style: chr22-41573078-TCTG-T.
Other names: c.5369_5371del (NM_001429.4); c.5288GCT[1], p.Cys1764del (NM_001362843.2); short protein forms C1764del, C1790del.
Identifiers: ClinVar variation 3366946 (VCV003366946.1).